The following is an entry in ClinVar:

NM_004092.4(ECHS1):c.529C>T (p.Gln177Ter)

Gene: ECHS1 (enoyl-CoA hydratase, short chain 1; minus strand). Cytogenetic location: 10q26.3.
Variant type: single nucleotide variant.
Coding change: c.529C>T on transcript NM_004092.4 (MANE Select); coding-DNA position 529, C replaced by T.
Protein change: p.Gln177Ter; replaces glutamine 177 with a stop codon.
Molecular consequence: nonsense.
Genome position (GRCh38, 1-based): chr10:133,366,979, G>A on the plus strand (C>T on the coding strand, the complement: ECHS1 is on the minus strand). VCF-style: chr10-133366979-G-A. GRCh37 (hg19) VCF-style: chr10-135180483-G-A.
Other names: short protein forms Q177*.
Identifiers: ClinVar variation 5019076 (VCV005019076.2).
Genomic context (GRCh38, chr10:133,366,979, plus strand): 5'-GGTCACCAGTGAGGACCATCTCCATCGCCAGCGACTTCCCAACAGCACGGGTGAGTCTCT[G>A]GGTGCCGCCCGCACCTGCAGGGAGGGGCTGGTCATGGCTGGCACTGTGATGAGTGAACCC-3'

ClinVar aggregate classification (germline): Likely pathogenic (1 of 4 stars; one submission).

Conditions:
Mitochondrial short-chain Enoyl-Coa hydratase 1 deficiency. Also called: ECHS1 deficiency; Mitochondrial Short-Chain Enoyl-CoA Hydratase Deficiency; PxMD-ECHS1. Identifiers: Orphanet 255241, Orphanet 653880, MedGen C4225391, MONDO:0014563, OMIM 616277.

Submission:

Juno Genomics, Hangzhou Juno Genomics, Inc
Classification: Likely pathogenic for Mitochondrial short-chain Enoyl-Coa hydratase 1 deficiency. Review status: criteria provided, single submitter. Criteria: ACMG Guidelines, 2015. Collection method: clinical testing. Allele origin: germline.
Comment: Absent from controls (or at extremely low frequency if recessive) in Genome Aggregation Database.;Null variant in a gene where loss of function (LOF) is a known mechanism of disease.